The following is an entry in ClinVar:

NM_004104.5(FASN):c.2557G>A (p.Gly853Ser)

Gene: FASN (fatty acid synthase; minus strand). Cytogenetic location: 17q25.3.
Variant type: single nucleotide variant.
Coding change: c.2557G>A on transcript NM_004104.5 (MANE Select); coding-DNA position 2557, G replaced by A.
Protein change: p.Gly853Ser; replaces glycine 853 with serine.
Molecular consequence: missense variant.
Genome position (GRCh38, 1-based): chr17:82,088,426, C>T on the plus strand (G>A on the coding strand, the complement: FASN is on the minus strand). VCF-style: chr17-82088426-C-T. GRCh37 (hg19) VCF-style: chr17-80046302-C-T.
Other names: short protein forms G853S.
Identifiers: ClinVar variation 1430471 (VCV001430471.8), dbSNP rs759542635, ClinGen allele CA8852750.

ClinVar aggregate classification (germline): Uncertain significance (1 of 4 stars; one submission).

Conditions:
Epileptic encephalopathy. Identifiers: MedGen C0543888, HP:0200134.

Allele frequency attached by ClinVar (database versions not stated): gnomAD exomes 0.00001 and 0.00003; gnomAD 0.00002; TOPMed 0.00003; ExAC 0.00006.
gnomAD v4.1: 21 of 1,612,068 alleles (0.0013%); highest among the groups gnomAD compares: Non-Finnish European, 0.0017%; no homozygotes.

Submission:

Labcorp Genetics (formerly Invitae), Labcorp
Classification: Uncertain significance for Epileptic encephalopathy. Last evaluated: 2025-03-29. Review status: criteria provided, single submitter. Criteria: Invitae Variant Classification Sherloc (09022015). Collection method: clinical testing. Allele origin: germline.
Comment: This sequence change replaces glycine, which is neutral and non-polar, with serine, which is neutral and polar, at codon 853 of the FASN protein (p.Gly853Ser). This variant is present in population databases (rs759542635, gnomAD 0.006%). This variant has not been reported in the literature in individuals affected with FASN-related conditions. ClinVar contains an entry for this variant (Variation ID: 1430471). An algorithm developed to predict the effect of missense changes on protein structure and function outputs the following: PolyPhen-2: "Benign". The serine amino acid residue is found in multiple mammalian species, which suggests that this missense change does not adversely affect protein function. In summary, the available evidence is currently insufficient to determine the role of this variant in disease. Therefore, it has been classified as a Variant of Uncertain Significance.